The following is an entry in ClinVar:

NM_001042646.3(TRAK1):c.1964C>T (p.Ala655Val)

Gene: TRAK1 (trafficking kinesin protein 1; plus strand). Cytogenetic location: 3p22.1.
Variant type: single nucleotide variant.
Coding change: c.1964C>T on transcript NM_001042646.3 (MANE Select); coding-DNA position 1964, C replaced by T.
Protein change: p.Ala655Val; replaces alanine 655 with valine.
Molecular consequence: missense variant. On other transcripts: non-coding transcript variant (1).
Genome position (GRCh38, 1-based): chr3:42,219,494, C>T. VCF-style: chr3-42219494-C-T. GRCh37 (hg19) VCF-style: chr3-42260986-C-T.
Other names: c.1589C>T, p.Ala530Val (NM_001349245.1); c.1901C>T, p.Ala634Val (NM_001349246.2); c.1964C>T, p.Ala655Val (NM_001349247.2); c.1679C>T, p.Ala560Val (NM_001349248.1); c.1742C>T, p.Ala581Val (NM_001349249.1); c.1790C>T, p.Ala597Val (NM_001410741.1); c.1964C>T (NM_001042646.2); short protein forms A530V, A634V, A581V, A597V, A655V, A560V.
Identifiers: ClinVar variation 3181818 (VCV003181818.2), dbSNP rs201054735, ClinGen allele CA2333739.

ClinVar aggregate classification (germline): Uncertain significance. Review status: criteria provided, multiple submitters, no conflicts (2 of 4 stars). 2 submissions from 2 submitters: Uncertain significance (2). Last evaluated 2025-08-11.

Conditions:
Inborn genetic diseases. Identifiers: MedGen C0950123, MeSH D030342.

Allele frequency attached by ClinVar (database versions not stated): ESP Exome Variant Server 0.00008; gnomAD 0.00007; TOPMed 0.00011; ExAC 0.00012; gnomAD exomes 0.00006.

Submissions (2):

GeneDx
Classification: Uncertain significance. Last evaluated: 2025-08-11. Review status: criteria provided, single submitter. Criteria: GeneDx Variant Classification Process June 2021. Collection method: clinical testing. Allele origin: germline. Affected: yes.
Comment: In silico analysis suggests that this missense variant does not alter protein structure/function; Has not been previously published as pathogenic or benign to our knowledge

Ambry Genetics
Classification: Uncertain significance for Inborn genetic diseases. Last evaluated: 2023-11-09. Review status: criteria provided, single submitter. Criteria: Ambry Variant Classification Scheme 2023. Collection method: clinical testing. Allele origin: germline.